The following is an entry in ClinVar:

NM_000051.4(ATM):c.7163_7166del (p.Leu2388fs)

Genes: ATM (ATM serine/threonine kinase; plus strand), C11orf65 (chromosome 11 open reading frame 65; minus strand). Cytogenetic location: 11q22.3.
Variant type: Microsatellite.
Coding change: c.7163_7166del on transcript NM_000051.4 (MANE Select); coding-DNA positions 7163 to 7166, 4 bases deleted (TCTC; older notation c.7163_7166delTCTC).
Protein change: p.Leu2388fs; shifts the reading frame from leucine 2388.
Molecular consequence: frameshift variant. On other transcripts: intron variant (2).
Genome position (GRCh38, 1-based): chr11:108,329,094-108,329,097, TCTC deleted; deleting any 4 consecutive bases within chr11:108,329,092-108,329,097 gives the same sequence; the c. name uses the placement nearest the transcript's 3' end. VCF-style (leftmost placement, unchanged base first): chr11-108329091-TTCTC-T. GRCh37 (hg19) VCF-style: chr11-108199818-TTCTC-T.
Other names: c.7163_7166delTCTC (NM_000051.3); c.7163_7166del, p.Leu2388fs (NM_001351834.2); c.641-20024_641-20021del (NM_001330368.2); c.*38+6125_*38+6128del (NM_001351110.2); c.7163_7166del (NM_000051.3); short protein forms L2388fs.
Identifiers: ClinVar variation 958116 (VCV000958116.11), dbSNP rs2085980902, ClinGen allele CA1998810585.

ClinVar aggregate classification (germline): Pathogenic/Likely pathogenic. Review status: criteria provided, multiple submitters, no conflicts (2 of 4 stars). 3 submissions from 3 submitters: Pathogenic (2); Likely pathogenic (1). Last evaluated 2025-08-05.

Conditions:
Hereditary cancer-predisposing syndrome. Also called: Tumor predisposition; Neoplastic Syndromes, Hereditary; Hereditary neoplastic syndrome; Hereditary Cancer Syndrome. Identifiers: Orphanet 140162, MedGen C0027672, MeSH D009386, MONDO:0015356.
Ataxia-telangiectasia syndrome (AT). Also called: Ataxia-telangiectasia, complementation group D; AT, COMPLEMENTATION GROUP C; ATAXIA-TELANGIECTASIA, COMPLEMENTATION GROUP A; ATAXIA-TELANGIECTASIA, FRESNO VARIANT; Ataxia-telangiectasia; Ataxia telangiectasia (A-T). Identifiers: Orphanet 100, MedGen C0004135, MONDO:0008840, OMIM 208900.
Familial cancer of breast. Also called: Hereditary breast cancer; hereditary breast carcinoma; BREAST CANCER, FAMILIAL. Identifiers: Orphanet 227535, MedGen C0346153, MONDO:0016419, OMIM 114480. Disease mechanism: loss of function.

Submissions (3):

Ambry Genetics
Classification: Pathogenic for Hereditary cancer-predisposing syndrome. Last evaluated: 2025-08-05. Review status: criteria provided, single submitter. Criteria: Ambry Variant Classification Scheme 2023. Collection method: clinical testing. Allele origin: germline.
Comment: The c.7163_7166delTCTC pathogenic mutation, located in coding exon 48 of the ATM gene, results from a deletion of 4 nucleotides at nucleotide positions 7163 to 7166, causing a translational frameshift with a predicted alternate stop codon (p.L2388Hfs*2). This variant is considered to be rare based on population cohorts in the Genome Aggregation Database (gnomAD). This alteration is expected to result in loss of function by premature protein truncation or nonsense-mediated mRNA decay. As such, this alteration is interpreted as a disease-causing mutation.

Baylor Genetics
Classification: Likely pathogenic for Familial cancer of breast. Last evaluated: 2022-04-08. Review status: criteria provided, single submitter. Criteria: ACMG Guidelines, 2015. Collection method: clinical testing. Allele origin: unknown.

Labcorp Genetics (formerly Invitae), Labcorp
Classification: Pathogenic for Ataxia-telangiectasia syndrome. Last evaluated: 2019-11-15. Review status: criteria provided, single submitter. Criteria: Invitae Variant Classification Sherloc (09022015). Collection method: clinical testing. Allele origin: germline.
Comment: This sequence change creates a premature translational stop signal (p.Leu2388Hisfs*2) in the ATM gene. It is expected to result in an absent or disrupted protein product. This variant is not present in population databases (ExAC no frequency). This variant has not been reported in the literature in individuals with ATM-related conditions. Loss-of-function variants in ATM are known to be pathogenic (PMID: 23807571, 25614872). For these reasons, this variant has been classified as Pathogenic.

Literature cited by the submitters: PubMed 23807571 (cited by Labcorp Genetics (formerly Invitae), Labcorp); PubMed 25614872 (cited by Labcorp Genetics (formerly Invitae), Labcorp).